The following is an entry in ClinVar:

ClinVar aggregate classification (germline): Uncertain significance. Review status: criteria provided, multiple submitters, no conflicts (2 of 4 stars). 2 submissions from 2 submitters: Uncertain significance (2). Last evaluated 2026-03-31.

Conditions:
Familial adenomatous polyposis 1 (FAP1). Also called: FAMILIAL ADENOMATOUS POLYPOSIS 1, ATTENUATED; POLYPOSIS, ADENOMATOUS INTESTINAL. Identifiers: MedGen C2713442, MONDO:0021056, OMIM 175100. Disease mechanism: loss of function.
Hereditary cancer-predisposing syndrome. Also called: Neoplastic Syndromes, Hereditary; Tumor predisposition; Hereditary Cancer Syndrome; Hereditary neoplastic syndrome. Identifiers: Orphanet 140162, MedGen C0027672, MeSH D009386, MONDO:0015356.

Allele frequency attached by ClinVar (database versions not stated): gnomAD exomes below 0.00001.
gnomAD v4.1: 3 of 1,614,110 alleles (0.00019%); highest among the groups gnomAD compares: South Asian, 0.0011%; no homozygotes.

Submissions (2):

Ambry Genetics
Classification: Uncertain significance for Hereditary cancer-predisposing syndrome. Last evaluated: 2026-03-31. Review status: criteria provided, single submitter. Criteria: Ambry Variant Classification Scheme 2023. Collection method: clinical testing. Allele origin: germline.
Comment: The p.D364N variant (also known as c.1090G>A), located in coding exon 9 of the APC gene, results from a G to A substitution at nucleotide position 1090. The aspartic acid at codon 364 is replaced by asparagine, an amino acid with highly similar properties. This amino acid position is conserved. In addition, in silico predictors for this gene do not accurately predict pathogenicity. Based on the available evidence, the clinical significance of this variant remains unclear.

Labcorp Genetics (formerly Invitae), Labcorp
Classification: Uncertain significance for Familial adenomatous polyposis 1. Last evaluated: 2021-01-21. Review status: criteria provided, single submitter. Criteria: Invitae Variant Classification Sherloc (09022015). Collection method: clinical testing. Allele origin: germline.
Comment: This sequence change replaces aspartic acid with asparagine at codon 364 of the APC protein (p.Asp364Asn). The aspartic acid residue is highly conserved and there is a small physicochemical difference between aspartic acid and asparagine. This variant is not present in population databases (ExAC no frequency). This variant has not been reported in the literature in individuals with APC-related conditions. Algorithms developed to predict the effect of missense changes on protein structure and function (SIFT, PolyPhen-2, Align-GVGD) all suggest that this variant is likely to be tolerated, but these predictions have not been confirmed by published functional studies and their clinical significance is uncertain. In summary, the available evidence is currently insufficient to determine the role of this variant in disease. Therefore, it has been classified as a Variant of Uncertain Significance.

NM_000038.6(APC):c.1090G>A (p.Asp364Asn)

Gene: APC (APC regulator of Wnt signaling pathway; plus strand). Cytogenetic location: 5q22.2.
Variant type: single nucleotide variant.
Coding change: c.1090G>A on transcript NM_000038.6 (MANE Select); coding-DNA position 1090, G replaced by A.
Protein change: p.Asp364Asn; replaces aspartic acid 364 with asparagine.
Molecular consequence: missense variant. On other transcripts: intron variant (4).
Genome position (GRCh38, 1-based): chr5:112,819,122, G>A. VCF-style: chr5-112819122-G-A. GRCh37 (hg19) VCF-style: chr5-112154819-G-A.
Other names: c.1090G>A, p.Asp364Asn (NM_001127510.3, NM_001354895.2, NM_001354896.2); c.1036G>A, p.Asp346Asn (NM_001127511.3); c.1120G>A, p.Asp374Asn (NM_001354897.2); c.1015G>A, p.Asp339Asn (NM_001354898.2); c.1006G>A, p.Asp336Asn (NM_001354899.2); c.913G>A, p.Asp305Asn (NM_001354900.2, NM_001354901.2); c.241G>A, p.Asp81Asn (NM_001354906.2); c.964-147G>A (NM_001354902.2); and 4 more; short protein forms D346N, D305N, D339N, D336N, D81N, D364N, D374N.
Identifiers: ClinVar variation 1369582 (VCV001369582.9), dbSNP rs1483264315, ClinGen allele CA16023697.
Genomic context (GRCh38, chr5:112,819,122, plus strand): 5'-TGTATATCCATGCGACAGTCTGGATGTCTTCCTCTCCTCATCCAGCTTTTACATGGCAAT[G>A]ACAAAGACTCTGTATTGTTGGGAAATTCCCGGGGCAGTAAAGAGGCTCGGGCCAGGGCCA-3'
Protein context (NP_000029.2, residues 354-374): PLLIQLLHGN[Asp364Asn]KDSVLLGNSR